The following is an entry in ClinVar:

ClinVar aggregate classification (germline): Uncertain significance. Review status: criteria provided, multiple submitters, no conflicts (2 of 4 stars). 2 submissions from 2 submitters: Uncertain significance (2). Last evaluated 2025-06-03.

Submissions (2):

Women's Health and Genetics/Laboratory Corporation of America, LabCorp
Classification: Uncertain significance. Last evaluated: 2025-06-03. Review status: criteria provided, single submitter. Criteria: LabCorp Variant Classification Summary - May 2015. Collection method: clinical testing. Allele origin: germline.
Comment: Variant summary: ASAH1 c.644A>T (p.Lys215Ile) results in a non-conservative amino acid change located in the Choloylglycine hydrolase/NAAA C-terminal domain (IPR029132) of the encoded protein sequence. Algorithms developed to predict the effect of missense changes on protein structure and function all suggest that this variant is likely to be disruptive. The variant was absent in 251426 control chromosomes. The available data on variant occurrences in the general population are insufficient to allow any conclusion about variant significance. To our knowledge, no occurrence of c.644A>T in individuals affected with Spinal muscular atrophy-progressive myoclonic epilepsy syndrome and no experimental evidence demonstrating its impact on protein function have been reported. ClinVar contains an entry for this variant (Variation ID: 2414143). Based on the evidence outlined above, the variant was classified as uncertain significance.

Labcorp Genetics (formerly Invitae), Labcorp
Classification: Uncertain significance. Last evaluated: 2022-07-06. Review status: criteria provided, single submitter. Criteria: Invitae Variant Classification Sherloc (09022015). Collection method: clinical testing. Allele origin: germline.
Comment: This sequence change replaces lysine, which is basic and polar, with isoleucine, which is neutral and non-polar, at codon 215 of the ASAH1 protein (p.Lys215Ile). This variant is not present in population databases (gnomAD no frequency). This variant has not been reported in the literature in individuals affected with ASAH1-related conditions. Algorithms developed to predict the effect of missense changes on protein structure and function (SIFT, PolyPhen-2, Align-GVGD) all suggest that this variant is likely to be disruptive. In summary, the available evidence is currently insufficient to determine the role of this variant in disease. Therefore, it has been classified as a Variant of Uncertain Significance.

NM_177924.5(ASAH1):c.644A>T (p.Lys215Ile)

Gene: ASAH1 (N-acylsphingosine amidohydrolase 1; minus strand). Cytogenetic location: 8p22.
Variant type: single nucleotide variant.
Coding change: c.644A>T on transcript NM_177924.5 (MANE Select); coding-DNA position 644, A replaced by T.
Protein change: p.Lys215Ile; replaces lysine 215 with isoleucine.
Molecular consequence: missense variant.
Genome position (GRCh38, 1-based): chr8:18,062,283, T>A on the plus strand (A>T on the coding strand, the complement: ASAH1 is on the minus strand). VCF-style: chr8-18062283-T-A. GRCh37 (hg19) VCF-style: chr8-17919792-T-A.
Other names: c.626A>T, p.Lys209Ile (NM_001127505.3); c.449A>T, p.Lys150Ile (NM_001363743.2); c.692A>T, p.Lys231Ile (NM_004315.6); c.644A>T (NM_177924.4); short protein forms K150I, K209I, K215I, K231I.
Identifiers: ClinVar variation 2414143 (VCV002414143.6), dbSNP rs2537927709, ClinGen allele CA370429808.